The following is an entry in ClinVar:

NM_033427.3(CTTNBP2):c.2595T>C (p.His865=)

Gene: CTTNBP2 (cortactin binding protein 2; minus strand). Cytogenetic location: 7q31.31.
Variant type: single nucleotide variant.
Coding change: c.2595T>C on transcript NM_033427.3 (MANE Select); coding-DNA position 2595, T replaced by C.
Protein change: p.His865=; no amino-acid change (histidine 865 retained).
Molecular consequence: synonymous variant.
Genome position (GRCh38, 1-based): chr7:117,777,694, A>G on the plus strand (T>C on the coding strand, the complement: CTTNBP2 is on the minus strand). VCF-style: chr7-117777694-A-G. GRCh37 (hg19) VCF-style: chr7-117417748-A-G.
Other names: c.2541T>C, p.His847= (NM_001363349.1); c.498T>C, p.His166= (NM_001363350.1, NM_001363351.1).
Identifiers: ClinVar variation 3355353 (VCV003355353.1).

ClinVar aggregate classification (germline): Likely benign (0 of 4 stars; one submission).

Conditions:
CTTNBP2-related disorder. Also called: CTTNBP2-related condition.

gnomAD v4.1: 11 of 1,613,934 alleles (0.00068%); highest among the groups gnomAD compares: South Asian, 0.0022%; no homozygotes.

Submission:

PreventionGenetics, part of Exact Sciences
Classification: Likely benign for CTTNBP2-related condition. Last evaluated: 2019-10-28. Review status: no assertion criteria provided. Collection method: clinical testing. Allele origin: germline.
Comment: This variant is classified as likely benign based on ACMG/AMP sequence variant interpretation guidelines (Richards et al. 2015 PMID: 25741868, with internal and published modifications).